The following is an entry in ClinVar:

NM_001283009.2(RTEL1):c.3485G>C (p.Arg1162Thr)

Genes: RTEL1 (regulator of telomere elongation helicase 1; plus strand), RTEL1-TNFRSF6B (RTEL1-TNFRSF6B readthrough (NMD candidate); plus strand). Cytogenetic location: 20q13.33.
Variant type: single nucleotide variant.
Coding change: c.3485G>C on transcript NM_001283009.2 (MANE Select); coding-DNA position 3485, G replaced by C.
Protein change: p.Arg1162Thr; replaces arginine 1162 with threonine.
Molecular consequence: missense variant. On other transcripts: non-coding transcript variant (1).
Genome position (GRCh38, 1-based): chr20:63,695,207, G>C. VCF-style: chr20-63695207-G-C. GRCh37 (hg19) VCF-style: chr20-62326560-G-C.
Other names: c.2816G>C, p.Arg939Thr (NM_001283010.1); c.3485G>C, p.Arg1162Thr (NM_016434.4); c.3557G>C, p.Arg1186Thr (NM_032957.5); short protein forms R1186T, R1162T, R939T.
Identifiers: ClinVar variation 3436045 (VCV003436045.1).

ClinVar aggregate classification (germline): Uncertain significance (1 of 4 stars; one submission).

Conditions:
Inborn genetic diseases. Identifiers: MedGen C0950123, MeSH D030342.

Submission:

Ambry Genetics
Classification: Uncertain significance for Inborn genetic diseases. Last evaluated: 2024-12-08. Review status: criteria provided, single submitter. Criteria: Ambry Variant Classification Scheme 2023. Collection method: clinical testing. Allele origin: germline.
Comment: The p.R1162T variant (also known as c.3485G>C), located in coding exon 32 of the RTEL1 gene, results from a G to C substitution at nucleotide position 3485. The arginine at codon 1162 is replaced by threonine, an amino acid with similar properties. This amino acid position is conserved. In addition, this alteration is predicted to be tolerated by in silico analysis. Based on the available evidence, the clinical significance of this variant remains unclear.